The following is an entry in ClinVar:

ClinVar aggregate classification (germline): Uncertain significance (1 of 4 stars; one submission).

Allele frequency attached by ClinVar (database versions not stated): gnomAD exomes 0.00001.
gnomAD v4.1: 7 of 1,610,186 alleles (0.00043%); highest among the groups gnomAD compares: South Asian, 0.0033%; no homozygotes.

Submission:

Labcorp Genetics (formerly Invitae), Labcorp
Classification: Uncertain significance. Last evaluated: 2024-08-14. Review status: criteria provided, single submitter. Criteria: Invitae Variant Classification Sherloc (09022015). Collection method: clinical testing. Allele origin: germline.
Comment: This sequence change replaces glycine, which is neutral and non-polar, with serine, which is neutral and polar, at codon 1336 of the COL27A1 protein (p.Gly1336Ser). The frequency data for this variant in the population databases is considered unreliable, as metrics indicate poor data quality at this position in the gnomAD database. This variant has not been reported in the literature in individuals affected with COL27A1-related conditions. ClinVar contains an entry for this variant (Variation ID: 2168591). Invitae Evidence Modeling of protein sequence and biophysical properties (such as structural, functional, and spatial information, amino acid conservation, physicochemical variation, residue mobility, and thermodynamic stability) indicates that this missense variant is not expected to disrupt COL27A1 protein function with a negative predictive value of 80%. In summary, the available evidence is currently insufficient to determine the role of this variant in disease. Therefore, it has been classified as a Variant of Uncertain Significance.

NM_032888.4(COL27A1):c.4006G>A (p.Gly1336Ser)

Genes: COL27A1 (collagen type XXVII alpha 1 chain; plus strand), LOC126860736 (MED14-independent group 3 enhancer GRCh37_chr9:117050487-117051686; plus strand). Cytogenetic location: 9q32.
Variant type: single nucleotide variant.
Coding change: c.4006G>A on transcript NM_032888.4 (MANE Select); coding-DNA position 4006, G replaced by A.
Protein change: p.Gly1336Ser; replaces glycine 1336 with serine.
Molecular consequence: missense variant.
Genome position (GRCh38, 1-based): chr9:114,288,473, G>A. VCF-style: chr9-114288473-G-A. GRCh37 (hg19) VCF-style: chr9-117050753-G-A.
Other names: short protein forms G1336S.
Identifiers: ClinVar variation 2168591 (VCV002168591.3), dbSNP rs763188260, ClinGen allele CA5202735.